The following is an entry in ClinVar:

NM_000213.5(ITGB4):c.1307T>C (p.Leu436Pro)

Gene: ITGB4 (integrin subunit beta 4; plus strand). Cytogenetic location: 17q25.1.
Variant type: single nucleotide variant.
Coding change: c.1307T>C on transcript NM_000213.5 (MANE Select); coding-DNA position 1307, T replaced by C.
Protein change: p.Leu436Pro; replaces leucine 436 with proline.
Molecular consequence: missense variant.
Genome position (GRCh38, 1-based): chr17:75,731,903, T>C. VCF-style: chr17-75731903-T-C. GRCh37 (hg19) VCF-style: chr17-73727984-T-C.
Other names: c.1307T>C, p.Leu436Pro (NM_001005619.2, NM_001005731.3, NM_001321123.2); short protein forms L436P.
Identifiers: ClinVar variation 3351919 (VCV003351919.1).
Genomic context (GRCh38, chr17:75,731,903, plus strand): 5'-AGCACGTGGATGGGACGCACGTGTGCCAGCTGCCGGAGGACCAGAAGGGCAACATCCATC[T>C]GAAACCTTCCTTCTCCGACGGCCTCAAGATGGACGCGGGCATCATCTGTGATGTGTGCAC-3'
Protein context (NP_000204.3, residues 426-446): LPEDQKGNIH[Leu436Pro]KPSFSDGLKM

ClinVar aggregate classification (germline): Uncertain significance (0 of 4 stars; one submission).

Conditions:
ITGB4-related disorder. Also called: ITGB4-related condition.

gnomAD v4.1: 1 of 1,614,054 alleles (0.000062%); highest among the groups gnomAD compares: Middle Eastern, 0.016%; no homozygotes.

Submission:

PreventionGenetics, part of Exact Sciences
Classification: Uncertain significance for ITGB4-related condition. Last evaluated: 2024-07-08. Review status: no assertion criteria provided. Collection method: clinical testing. Allele origin: germline.
Comment: The ITGB4 c.1307T>C variant is predicted to result in the amino acid substitution p.Leu436Pro. This variant has been reported in the homozygous state in a patient with epidermolysis bullosa with pyloric atresia; both parents are heterozygous carriers (Table S1, Dillon et al. 2018. PubMed ID: 29453417). This variant has not been reported in a large population database, indicating this variant is rare. Although we suspect that this variant may be pathogenic, at this time, the clinical significance of this variant is uncertain due to the absence of conclusive functional and genetic evidence.